The following is an entry in ClinVar:

NM_013372.7(GREM1):c.104C>T (p.Pro35Leu)

Gene: GREM1 (gremlin 1, DAN family BMP antagonist; plus strand). Cytogenetic location: 15q13.3.
Variant type: single nucleotide variant.
Coding change: c.104C>T on transcript NM_013372.7 (MANE Select); coding-DNA position 104, C replaced by T.
Protein change: p.Pro35Leu; replaces proline 35 with leucine.
Molecular consequence: missense variant. On other transcripts: intron variant (1).
Genome position (GRCh38, 1-based): chr15:32,730,794, C>T. VCF-style: chr15-32730794-C-T. GRCh37 (hg19) VCF-style: chr15-33022995-C-T.
Other names: c.104C>T, p.Pro35Leu (NM_001191323.2, NM_001368719.1); c.27+77C>T (NM_001191322.2); short protein forms P35L.
Identifiers: ClinVar variation 1776617 (VCV001776617.3), dbSNP rs779454972, ClinGen allele CA7456107.

ClinVar aggregate classification (germline): Uncertain significance (1 of 4 stars; one submission).

Conditions:
Hereditary cancer-predisposing syndrome. Also called: Neoplastic Syndromes, Hereditary; Tumor predisposition; Hereditary Cancer Syndrome; Hereditary neoplastic syndrome. Identifiers: Orphanet 140162, MedGen C0027672, MeSH D009386, MONDO:0015356.

Allele frequency attached by ClinVar (database versions not stated): ExAC 0.00002.
gnomAD v4.1: 19 of 1,613,736 alleles (0.0012%); highest among the groups gnomAD compares: East Asian, 0.0045%; no homozygotes.

Submission:

Ambry Genetics
Classification: Uncertain significance for Hereditary cancer-predisposing syndrome. Last evaluated: 2024-07-09. Review status: criteria provided, single submitter. Criteria: Ambry Variant Classification Scheme 2023. Collection method: clinical testing. Allele origin: germline.
Comment: The p.P35L variant (also known as c.104C>T), located in coding exon 1 of the GREM1 gene, results from a C to T substitution at nucleotide position 104. The proline at codon 35 is replaced by leucine, an amino acid with similar properties. This amino acid position is conserved. In addition, this alteration is predicted to be tolerated by in silico analysis. Since supporting evidence is limited at this time, the clinical significance of this alteration remains unclear.